The following is an entry in ClinVar:

ClinVar aggregate classification (germline): Likely benign (0 of 4 stars; one submission).

Conditions:
TET3-related disorder. Also called: TET3-Related Disease; TET3-related condition.

Allele frequency attached by ClinVar (database versions not stated): 1000 Genomes Project 0.00060; 1000 Genomes Project 30x 0.00062; ESP Exome Variant Server 0.00104.
gnomAD v4.1: 416 of 1,584,224 alleles (0.026%); highest among the groups gnomAD compares: African/African-American, 0.49%; 1 homozygote.

Submission:

PreventionGenetics, part of Exact Sciences
Classification: Likely benign for TET3-related condition. Last evaluated: 2020-05-19. Review status: no assertion criteria provided. Collection method: clinical testing. Allele origin: germline.
Comment: This variant is classified as likely benign based on ACMG/AMP sequence variant interpretation guidelines (Richards et al. 2015 PMID: 25741868, with internal and published modifications).

NM_001287491.2(TET3):c.3666G>C (p.Pro1222=)

Gene: TET3 (tet methylcytosine dioxygenase 3; plus strand). Cytogenetic location: 2p13.1.
Variant type: single nucleotide variant.
Coding change: c.3666G>C on transcript NM_001287491.2 (MANE Select); coding-DNA position 3666, G replaced by C.
Protein change: p.Pro1222=; no amino-acid change (proline 1222 retained).
Molecular consequence: synonymous variant.
Genome position (GRCh38, 1-based): chr2:74,100,454, G>C. VCF-style: chr2-74100454-G-C. GRCh37 (hg19) VCF-style: chr2-74327581-G-C.
Other names: c.3387G>C, p.Pro1129= (NM_001366022.1); c.3261G>C, p.Pro1087= (NM_144993.1).
Identifiers: ClinVar variation 3043339 (VCV003043339.2), dbSNP rs143683162, ClinGen allele CA1719061.
Genomic context (GRCh38, chr2:74,100,454, plus strand): 5'-CCTGTCTCTGAAGGGTGGATTGTCCCAGCAAGGCCTGAAGCCCTCCCTCAAGGTGGAGCC[G>C]CAGAACCACTTCAGCTCCTTCAAGTACAGCGGCAACGCGGTGGTGGAGAGCTACTCGGTG-3'
Protein context (NP_001274420.1, residues 1212-1232): QGLKPSLKVE[Pro1222=]QNHFSSFKYS